The following is an entry in ClinVar:

NM_024496.4(IRF2BPL):c.1850C>G (p.Pro617Arg)

Gene: IRF2BPL (interferon regulatory factor 2 binding protein like; minus strand). Cytogenetic location: 14q24.3.
Variant type: single nucleotide variant.
Coding change: c.1850C>G on transcript NM_024496.4 (MANE Select); coding-DNA position 1850, C replaced by G.
Protein change: p.Pro617Arg; replaces proline 617 with arginine.
Molecular consequence: missense variant.
Genome position (GRCh38, 1-based): chr14:77,025,943, G>C on the plus strand (C>G on the coding strand, the complement: IRF2BPL is on the minus strand). VCF-style: chr14-77025943-G-C. GRCh37 (hg19) VCF-style: chr14-77492286-G-C.
Other names: short protein forms P617R.
Identifiers: ClinVar variation 2644381 (VCV002644381.24), dbSNP rs2503074880, ClinGen allele CA390489734.
Genomic context (GRCh38, chr14:77,025,943, plus strand): 5'-GCTGTGCCCAGAGTATCTGCCACCGACATGAGAGCGGCCATAGGGGACGGACCGTTCTGG[G>C]GGGCTGACTCAGGTGGGGTGGTCCGGTTGGAATGGGGTCCCAGAGGTGGGGGCGGCGGAG-3'
Protein context (NP_078772.1, residues 607-627): SNRTTPPESA[Pro617Arg]QNGPSPMAAL

ClinVar aggregate classification (germline): Uncertain significance (1 of 4 stars; one submission).

Allele frequency attached by ClinVar (database versions not stated): gnomAD exomes below 0.00001.
gnomAD v4.1: 1 of 1,608,138 alleles (0.000062%); highest among the groups gnomAD compares: Non-Finnish European, 0.000085%; no homozygotes.

Submission:

CeGaT Center for Human Genetics Tuebingen
Classification: Uncertain significance. Last evaluated: 2022-10-01. Review status: criteria provided, single submitter. Criteria: CeGaT Center For Human Genetics Tuebingen Variant Classification Criteria Version 2. Collection method: clinical testing. Allele origin: germline. Affected: yes. Observed: 1 variant allele.
Comment: IRF2BPL: PM2